The following is an entry in ClinVar:

ClinVar aggregate classification (germline): Uncertain significance (1 of 4 stars; one submission).

Conditions:
Dystonia 34, myoclonic (DYT34). Identifiers: MedGen C5676907, MONDO:0030538, OMIM 619724.

gnomAD v4.1: 7 of 1,613,306 alleles (0.00043%); highest among the groups gnomAD compares: African/African-American, 0.0013%; no homozygotes.

Submission:

MVZ Medizinische Genetik Mainz
Classification: Uncertain significance for Dystonia 34, myoclonic. Last evaluated: 2026-05-06. Review status: criteria provided, single submitter. Criteria: UK Practice Guidelines For Variant Classification V4 01 2020. Collection method: clinical testing. Allele origin: germline. Inheritance: Autosomal dominant inheritance. Affected: yes. Observed: 1 variant allele.
Comment: ACMG Criteria: PP3_STR,PM2_SUP

NM_021614.4(KCNN2):c.1274G>A (p.Arg425His)

Gene: KCNN2 (potassium calcium-activated channel subfamily N member 2; plus strand). Cytogenetic location: 5q22.3.
Variant type: single nucleotide variant.
Coding change: c.1274G>A on transcript NM_021614.4 (MANE Select); coding-DNA position 1274, G replaced by A.
Protein change: p.Arg425His; replaces arginine 425 with histidine.
Molecular consequence: missense variant.
Genome position (GRCh38, 1-based): chr5:114,404,493, G>A. VCF-style: chr5-114404493-G-A. GRCh37 (hg19) VCF-style: chr5-113740190-G-A.
Other names: c.1472G>A, p.Arg491His (NM_001372233.1); short protein forms R425H, R491H.
Identifiers: ClinVar variation 4852361 (VCV004852361.1).